The following is an entry in ClinVar:

ClinVar aggregate classification (germline): Uncertain significance (1 of 4 stars; one submission).

Submission:

Labcorp Genetics (formerly Invitae), Labcorp
Classification: Uncertain significance. Last evaluated: 2024-05-23. Review status: criteria provided, single submitter. Criteria: Invitae Variant Classification Sherloc (09022015). Collection method: clinical testing. Allele origin: germline.
Comment: This sequence change replaces serine, which is neutral and polar, with glycine, which is neutral and non-polar, at codon 50 of the TRPM1 protein (p.Ser50Gly). This variant is not present in population databases (gnomAD no frequency). This variant has not been reported in the literature in individuals affected with TRPM1-related conditions. ClinVar contains an entry for this variant (Variation ID: 1426424). Advanced modeling of protein sequence and biophysical properties (such as structural, functional, and spatial information, amino acid conservation, physicochemical variation, residue mobility, and thermodynamic stability) performed at Invitae indicates that this missense variant is not expected to disrupt TRPM1 protein function with a negative predictive value of 95%. In summary, the available evidence is currently insufficient to determine the role of this variant in disease. Therefore, it has been classified as a Variant of Uncertain Significance.

NM_001252024.2(TRPM1):c.214A>G (p.Ser72Gly)

Gene: TRPM1 (transient receptor potential cation channel subfamily M member 1; minus strand). Cytogenetic location: 15q13.3.
Variant type: single nucleotide variant.
Coding change: c.214A>G on transcript NM_001252024.2 (MANE Select); coding-DNA position 214, A replaced by G.
Protein change: p.Ser72Gly; replaces serine 72 with glycine.
Molecular consequence: missense variant.
Genome position (GRCh38, 1-based): chr15:31,070,096, T>C on the plus strand (A>G on the coding strand, the complement: TRPM1 is on the minus strand). VCF-style: chr15-31070096-T-C. GRCh37 (hg19) VCF-style: chr15-31362299-T-C.
Other names: c.265A>G, p.Ser89Gly (NM_001252020.2); c.148A>G, p.Ser50Gly (NM_001252030.2, NM_002420.6); short protein forms S50G, S72G, S89G.
Identifiers: ClinVar variation 1426424 (VCV001426424.6), dbSNP rs2140967055, ClinGen allele CA391537113.